The following is an entry in ClinVar:

ClinVar aggregate classification (germline): Uncertain significance (1 of 4 stars; one submission).

Allele frequency attached by ClinVar (database versions not stated): gnomAD exomes below 0.00001.
gnomAD v4.1: 5 of 1,614,008 alleles (0.00031%); highest among the groups gnomAD compares: Admixed American, 0.0017%; no homozygotes.

Submission:

Labcorp Genetics (formerly Invitae), Labcorp
Classification: Uncertain significance. Last evaluated: 2025-08-18. Review status: criteria provided, single submitter. Criteria: Invitae Variant Classification Sherloc (09022015). Collection method: clinical testing. Allele origin: germline.
Comment: This sequence change replaces isoleucine, which is neutral and non-polar, with valine, which is neutral and non-polar, at codon 2545 of the DMXL2 protein (p.Ile2545Val). This variant is not present in population databases (gnomAD no frequency). This variant has not been reported in the literature in individuals affected with DMXL2-related conditions. ClinVar contains an entry for this variant (Variation ID: 2414592). An algorithm developed to predict the effect of missense changes on protein structure and function (PolyPhen-2) suggests that this variant is likely to be disruptive. In summary, the available evidence is currently insufficient to determine the role of this variant in disease. Therefore, it has been classified as a Variant of Uncertain Significance.

NM_001378457.1(DMXL2):c.7633A>G (p.Ile2545Val)

Gene: DMXL2 (Dmx like 2; minus strand). Cytogenetic location: 15q21.2.
Variant type: single nucleotide variant.
Coding change: c.7633A>G on transcript NM_001378457.1 (MANE Select); coding-DNA position 7633, A replaced by G.
Protein change: p.Ile2545Val; replaces isoleucine 2545 with valine.
Molecular consequence: missense variant. On other transcripts: non-coding transcript variant (1), intron variant (2).
Genome position (GRCh38, 1-based): chr15:51,464,850, T>C on the plus strand (A>G on the coding strand, the complement: DMXL2 is on the minus strand). VCF-style: chr15-51464850-T-C. GRCh37 (hg19) VCF-style: chr15-51757047-T-C.
Other names: c.7633A>G, p.Ile2545Val (NM_001174116.3, NM_001378461.1); c.5722A>G, p.Ile1908Val (NM_001174117.3); c.7630A>G, p.Ile2544Val (NM_001378458.1, NM_001378462.1, NM_015263.5); c.5611A>G, p.Ile1871Val (NM_001378460.1); c.7390A>G, p.Ile2464Val (NM_001378464.1); c.7520+1334A>G (NM_001378459.1); c.7606+716A>G (NM_001378463.1); short protein forms I1871V, I1908V, I2464V, I2544V, I2545V.
Identifiers: ClinVar variation 2414592 (VCV002414592.6), dbSNP rs2543070551, ClinGen allele CA392439113.